The following is an entry in ClinVar:

ClinVar aggregate classification (germline): Conflicting classifications of pathogenicity. Review status: criteria provided, conflicting classifications (1 of 4 stars). 15 submissions from 11 submitters: Uncertain significance (8); Benign (2); Likely benign (5). Last evaluated 2025-05-23.

Conditions:
TTN-related disorder. Also called: TTN-related condition; TTN-related disease; TTN-related disorders.
Cardiovascular phenotype. Identifiers: MedGen CN230736.
Myopathy, myofibrillar, 9, with early respiratory failure (MFM9). Also called: Hereditary myopathy with early respiratory failure; EDSTROM MYOPATHY; MYOPATHY, PROXIMAL, WITH EARLY RESPIRATORY MUSCLE INVOLVEMENT; Myopathy, distal, with early respiratory failure, autosomal dominant. Identifiers: Orphanet 178464, Orphanet 34521, MedGen C1863599, MONDO:0011362, OMIM 603689.
Autosomal recessive limb-girdle muscular dystrophy type 2J (LGMDR10). Also called: Limb-girdle muscular dystrophy, type 2J; MUSCULAR DYSTROPHY, LIMB-GIRDLE, AUTOSOMAL RECESSIVE 10. Identifiers: Orphanet 140922, MedGen C1837342, MONDO:0012127, OMIM 608807.
Early-onset myopathy with fatal cardiomyopathy (CMYO5). Also called: Salih Myopathy; CONGENITAL MYOPATHY 5 WITH CARDIOMYOPATHY. Identifiers: Orphanet 289377, MedGen C2673677, MONDO:0012714, OMIM 611705. Disease mechanism: loss of function.
Hypertrophic cardiomyopathy 9. Also called: Familial hypertrophic cardiomyopathy 9. Identifiers: MedGen C1861065, MONDO:0013412, OMIM 613765.
Dilated cardiomyopathy 1G (CMD1G). Identifiers: Orphanet 154, MedGen C1858763, MONDO:0011400, OMIM 604145.
Tibial muscular dystrophy (TMD). Also called: Tibial muscular dystrophy, tardive; UDD MYOPATHY; Udd Distal Myopathy – Tibial Muscular Dystrophy. Identifiers: Orphanet 609, MedGen C1838244, MONDO:0010870, OMIM 600334.
Cardiomyopathy (CMYO). Also called: Cardiomyopathies. Identifiers: Orphanet 167848, MedGen C0878544, MONDO:0004994, HP:0001638. Inheritance: Various modes of inheritance.

Allele frequency attached by ClinVar (database versions not stated): TOPMed 0.00008; gnomAD exomes 0.00010; ExAC 0.00013; gnomAD 0.00013 and 0.00014.
gnomAD v4.1: 384 of 1,612,952 alleles (0.024%); highest among the groups gnomAD compares: Non-Finnish European, 0.032%; no homozygotes.

Submissions (15):

Women's Health and Genetics/Laboratory Corporation of America, LabCorp
Classification: Uncertain significance. Last evaluated: 2025-05-23. Review status: criteria provided, single submitter. Criteria: LabCorp Variant Classification Summary - May 2015. Collection method: clinical testing. Allele origin: germline.
Comment: Variant summary: TTN c.49238C>T (p.Ala16413Val) results in a non-conservative amino acid change in the encoded protein sequence. Algorithms developed to predict the effect of missense changes on protein structure and function are either unavailable or do not agree on the potential impact of this missense change. The variant allele was found at a frequency of 0.0001 in 247896 control chromosomes. This frequency is not significantly higher than estimated for a pathogenic variant in TTN causing Dilated Cardiomyopathy (0.0001 vs 0.00039), allowing no conclusion about variant significance. To our knowledge, no occurrence of c.49238C>T in individuals affected with Dilated Cardiomyopathy and no experimental evidence demonstrating its impact on protein function have been reported. ClinVar contains an entry for this variant (Variation ID: 47117). Based on the evidence outlined above, the variant was classified as uncertain significance.

PreventionGenetics, part of Exact Sciences
Classification: Likely benign for TTN-related condition. Last evaluated: 2025-05-06. Review status: criteria provided, single submitter. Criteria: ACMG Guidelines, 2015. Collection method: clinical testing. Allele origin: germline.
Comment: This variant is classified as likely benign based on ACMG/AMP sequence variant interpretation guidelines (Richards et al. 2015 PMID: 25741868, with internal and published modifications).

Molecular Diagnostic Laboratory for Inherited Cardiovascular Disease, Montreal Heart Institute
Classification: Likely benign. Last evaluated: 2025-04-09. Review status: criteria provided, single submitter. Criteria: ACMG Guidelines, 2015. Collection method: clinical testing. Allele origin: germline. Affected: no.

Department of Pathology and Laboratory Medicine, Sinai Health System
Classification: Uncertain significance for Tibial muscular dystrophy; Myopathy, myofibrillar, 9, with early respiratory failure; Dilated cardiomyopathy 1G; Autosomal recessive limb-girdle muscular dystrophy type 2J; Early-onset myopathy with fatal cardiomyopathy; Hypertrophic cardiomyopathy 9. Last evaluated: 2021-08-25. Review status: criteria provided, single submitter. Criteria: ACMG Guidelines, 2015. Collection method: research. Allele origin: germline.

GeneDx
Classification: Likely benign. Last evaluated: 2020-06-05. Review status: criteria provided, single submitter. Criteria: GeneDx Variant Classification Process June 2021. Collection method: clinical testing. Allele origin: germline. Affected: yes.

Revvity Omics, Revvity
Classification: Uncertain significance. Last evaluated: 2019-01-31. Review status: criteria provided, single submitter. Criteria: ACMG Guidelines, 2015. Collection method: clinical testing. Allele origin: germline.

Ambry Genetics
Classification: Likely benign for Cardiovascular phenotype. Last evaluated: 2018-05-07. Review status: criteria provided, single submitter. Criteria: Ambry Variant Classification Scheme 2023. Collection method: clinical testing. Allele origin: germline.

Illumina Laboratory Services, Illumina
Classification: Uncertain significance for Dilated cardiomyopathy 1G. Last evaluated: 2018-01-12. Review status: criteria provided, single submitter. Criteria: ICSL Variant Classification Criteria 13 December 2019. Collection method: clinical testing. Allele origin: germline.

Illumina Laboratory Services, Illumina
Classification: Uncertain significance for Autosomal recessive limb-girdle muscular dystrophy type 2J. Last evaluated: 2018-01-12. Review status: criteria provided, single submitter. Criteria: ICSL Variant Classification Criteria 13 December 2019. Collection method: clinical testing. Allele origin: germline.

Illumina Laboratory Services, Illumina
Classification: Uncertain significance for Early-onset myopathy with fatal cardiomyopathy. Last evaluated: 2018-01-12. Review status: criteria provided, single submitter. Criteria: ICSL Variant Classification Criteria 13 December 2019. Collection method: clinical testing. Allele origin: germline.

Illumina Laboratory Services, Illumina
Classification: Benign for Tibial muscular dystrophy. Last evaluated: 2018-01-12. Review status: criteria provided, single submitter. Criteria: ICSL Variant Classification Criteria 13 December 2019. Collection method: clinical testing. Allele origin: germline.
Comment: This variant was observed in the ICSL laboratory as part of a predisposition screen in an ostensibly healthy population. It had not been previously curated by ICSL or reported in the Human Gene Mutation Database (HGMD: prior to June 1st, 2018), and was therefore a candidate for classification through an automated scoring system. Utilizing variant allele frequency, disease prevalence and penetrance estimates, and inheritance mode, an automated score was calculated to assess if this variant is too frequent to cause the disease. Based on the score and internal cut-off values, a variant classified as benign is not then subjected to further curation. The score for this variant resulted in a classification of benign for this disease.

Illumina Laboratory Services, Illumina
Classification: Benign for Myopathy, myofibrillar, 9, with early respiratory failure. Last evaluated: 2018-01-12. Review status: criteria provided, single submitter. Criteria: ICSL Variant Classification Criteria 13 December 2019. Collection method: clinical testing. Allele origin: germline.
Comment: the same text as in the submission from Illumina Laboratory Services, Illumina above.

Athena Diagnostics
Classification: Uncertain significance. Last evaluated: 2016-09-07. Review status: criteria provided, single submitter. Criteria: Athena Diagnostics Criteria. Collection method: clinical testing. Allele origin: germline.

CHEO Genetics Diagnostic Laboratory, Children's Hospital of Eastern Ontario
Classification: Uncertain significance for Cardiomyopathy. Last evaluated: 2016-03-23. Review status: criteria provided, single submitter. Criteria: ACMG Guidelines, 2015. Collection method: clinical testing. Allele origin: germline. Study: Canadian Open Genetics Repository.

Laboratory for Molecular Medicine, Mass General Brigham Personalized Medicine
Classification: Likely benign. Last evaluated: 2012-06-28. Review status: criteria provided, single submitter. Criteria: LMM Criteria. Collection method: clinical testing. Allele origin: germline. Observed: 2 variant alleles.
Comment: Ala16413Val in exon 240 of TTN: This variant is not expected to have clinical si gnificance due to a lack of conservation across species, including mammals (mult iple species, including other primates have a valine (Val) at this position desp ite high nearby amino acid conservation). In addition, computational analyses (b iochemical amino acid properties, AlignGVGD, and PolyPhen2) do not suggest a hig h likelihood of impact to the protein.

NM_001267550.2(TTN):c.56942C>T (p.Ala18981Val)

Genes: TTN (titin; minus strand), TTN-AS1 (TTN antisense RNA 1; plus strand). Cytogenetic location: 2q31.2.
Variant type: single nucleotide variant.
Coding change: c.56942C>T on transcript NM_001267550.2 (MANE Select); coding-DNA position 56942, C replaced by T.
Protein change: p.Ala18981Val; replaces alanine 18981 with valine.
Molecular consequence: missense variant.
Genome position (GRCh38, 1-based): chr2:178,598,768, G>A on the plus strand (C>T on the coding strand, the complement: TTN is on the minus strand). VCF-style: chr2-178598768-G-A. GRCh37 (hg19) VCF-style: chr2-179463495-G-A.
Other names: p.A17340V:GCG>GTG; c.52019C>T, p.Ala17340Val (NM_001256850.1); c.49238C>T, p.Ala16413Val (NM_133378.4); c.29747C>T, p.Ala9916Val (NM_003319.4); c.30122C>T, p.Ala10041Val (NM_133432.3); c.30323C>T, p.Ala10108Val (NM_133437.4); short protein forms A18981V, A16413V, A17340V, A10108V, A9916V, A10041V.
Identifiers: ClinVar variation 47117 (VCV000047117.21), dbSNP rs397517627, ClinGen allele CA140053.